The following is an entry in ClinVar:

NM_000157.4(GBA1):c.26_27del (p.Glu9fs)

Gene: GBA1 (glucosylceramidase beta 1; minus strand). Cytogenetic location: 1q22.
Variant type: Microsatellite.
Coding change: c.26_27del on transcript NM_000157.4 (MANE Select); coding-DNA positions 26 to 27, 2 bases deleted (AG; older notation c.26_27delAG).
Protein change: p.Glu9fs; shifts the reading frame from glutamic acid 9.
Molecular consequence: frameshift variant. On other transcripts: intron variant (1).
Genome position (GRCh38, 1-based): chr1:155,241,086-155,241,087, CT deleted on the plus strand (AG on the coding strand, the reverse complement: GBA1 is on the minus strand); deleting any 2 consecutive bases within chr1:155,241,086-155,241,091 gives the same sequence; the c. name uses the placement nearest the transcript's 3' end. VCF-style (leftmost placement, unchanged base first): chr1-155241085-CCT-C. GRCh37 (hg19) VCF-style: chr1-155210876-CCT-C.
Other names: c.26_27del (NM_001005741.2); c.26_27del, p.Glu9fs (NM_001005741.3, NM_001005742.3, NM_001171812.2); c.-146-1014AG[2] (NM_001171811.2); short protein forms E9fs.
Identifiers: ClinVar variation 988810 (VCV000988810.10), dbSNP rs766291162, ClinGen allele CA1141887.

ClinVar aggregate classification (germline): Uncertain significance. Review status: criteria provided, multiple submitters, no conflicts (2 of 4 stars). 3 submissions from 3 submitters: Uncertain significance (2). 1 of the submissions does not count toward it. Last evaluated 2025-03-01.

Conditions:
Thrombocytopenia. Identifiers: MedGen C0040034, MeSH D013921, MONDO:0002049, HP:0001873.
Abnormal bleeding. Also called: Bleeding diathesis. Identifiers: MedGen C1458140, HP:0001892.

Submissions (3):

CeGaT Center for Human Genetics Tuebingen
Classification: Uncertain significance. Last evaluated: 2025-03-01. Review status: criteria provided, single submitter. Criteria: CeGaT Center For Human Genetics Tuebingen Variant Classification Criteria Version 2. Collection method: clinical testing. Allele origin: germline. Affected: yes. Observed: 1 variant allele.
Comment: GBA1: PVS1:Moderate, PM2:Supporting, PS4:Supporting

GeneDx
Classification: Uncertain significance. Last evaluated: 2023-12-10. Review status: criteria provided, single submitter. Criteria: GeneDx Variant Classification Process June 2021. Collection method: clinical testing. Allele origin: germline. Affected: yes.
Comment: Observed as heterozygous variant in one individual with thrombocytopenia and von Willebrand disease in published literature; however, other variants in other genes were also identified (PMID: 32935436); Observed as heterozygous variant in one individual with Parkinson disease and absent in controls; however, no additional clinical information was provided (PMID: 32618053); Frameshift variant predicted to result in protein truncation or nonsense mediated decay in a gene for which loss of function is a known mechanism of disease; This variant is associated with the following publications: (PMID: 32618053, 32935436)

Birmingham Platelet Group; University of Birmingham
Classification: Likely pathogenic for Thrombocytopenia; Abnormal bleeding. Last evaluated: 2020-05-01. Review status: no assertion criteria provided. Collection method: research. Allele origin: germline. Affected: yes. Not counted in ClinVar's aggregate classification.